The following is an entry in ClinVar:

ClinVar aggregate classification (germline): Pathogenic (1 of 4 stars; one submission).

Conditions:
Familial hypercholesterolemia. Also called: Familial hypercholesterolemias; Familial hypercholesterolaemia. Identifiers: MedGen C0020445, MONDO:0005439.

Submission:

Cambridge Genomics Laboratory, East Genomic Laboratory Hub, NHS Genomic Medicine Service
Classification: Pathogenic for Familial hypercholesterolaemia. Last evaluated: 2026-11-06. Review status: criteria provided, single submitter. Criteria: ACGS Best Practice Guidelines for Variant Classification in Rare Disease 2020. Collection method: clinical testing. Allele origin: germline. Affected: yes.
Comment: PVS1,PM2

NM_015627.3(LDLRAP1):c.351_352del (p.Tyr118fs)

Gene: LDLRAP1 (low density lipoprotein receptor adaptor protein 1; plus strand). Cytogenetic location: 1p36.11.
Variant type: Deletion.
Coding change: c.351_352del on transcript NM_015627.3 (MANE Select); coding-DNA positions 351 to 352, 2 bases deleted (CT; older notation c.351_352delCT).
Protein change: p.Tyr118fs; shifts the reading frame from tyrosine 118.
Molecular consequence: frameshift variant.
Genome position (GRCh38, 1-based): chr1:25,557,159-25,557,160, CT deleted. VCF-style (leftmost placement, unchanged base first): chr1-25557158-CCT-C. GRCh37 (hg19) VCF-style: chr1-25883649-CCT-C.
Other names: short protein forms Y118fs.
Identifiers: ClinVar variation 5042641 (VCV005042641.1).